The following is an entry in ClinVar:

ClinVar aggregate classification (germline): Uncertain significance (1 of 4 stars; one submission).

Conditions:
Developmental and epileptic encephalopathy, 23 (DEE23). Also called: Epileptic encephalopathy, early infantile, 23. Identifiers: Orphanet 411986, MedGen C4014492, MONDO:0014371, OMIM 615859.

Allele frequency attached by ClinVar (database versions not stated): gnomAD exomes below 0.00001; TOPMed below 0.00001.
gnomAD v4.1: 3 of 1,609,800 alleles (0.00019%); highest among the groups gnomAD compares: East Asian, 0.0022%; no homozygotes.

Submission:

Labcorp Genetics (formerly Invitae), Labcorp
Classification: Uncertain significance for Developmental and epileptic encephalopathy, 23. Last evaluated: 2022-03-28. Review status: criteria provided, single submitter. Criteria: Invitae Variant Classification Sherloc (09022015). Collection method: clinical testing. Allele origin: germline.
Comment: This sequence change falls in intron 34 of the DOCK7 gene. It does not directly change the encoded amino acid sequence of the DOCK7 protein. It affects a nucleotide within the consensus splice site. This variant is present in population databases (no rsID available, gnomAD 0.006%). This variant has not been reported in the literature in individuals affected with DOCK7-related conditions. Variants that disrupt the consensus splice site are a relatively common cause of aberrant splicing (PMID: 17576681, 9536098). Algorithms developed to predict the effect of sequence changes on RNA splicing suggest that this variant is not likely to affect RNA splicing. In summary, the available evidence is currently insufficient to determine the role of this variant in disease. Therefore, it has been classified as a Variant of Uncertain Significance.

Literature cited by the submitters: PubMed 17576681; PubMed 9536098.

NM_001367561.1(DOCK7):c.4379+6A>G

Gene: DOCK7 (dedicator of cytokinesis 7; minus strand). Cytogenetic location: 1p31.3.
Variant type: single nucleotide variant.
Coding change: c.4379+6A>G on transcript NM_001367561.1 (MANE Select); 6 bases into the intron after coding-DNA position 4379, A replaced by G.
Molecular consequence: intron variant.
Genome position (GRCh38, 1-based): chr1:62,510,571, T>C on the plus strand (A>G on the coding strand, the complement: DOCK7 is on the minus strand). VCF-style: chr1-62510571-T-C. GRCh37 (hg19) VCF-style: chr1-62976242-T-C.
Other names: c.4259+6A>G (NM_001272001.2, NM_001272000.2); c.4286+6A>G (NM_033407.4); c.4352+6A>G (NM_001271999.2, NM_001330614.2).
Identifiers: ClinVar variation 1928810 (VCV001928810.2), dbSNP rs1161007192, ClinGen allele CA523537552.